The following is an entry in ClinVar:

ClinVar aggregate classification (germline): Uncertain significance (1 of 4 stars; one submission).

Submission:

Labcorp Genetics (formerly Invitae), Labcorp
Classification: Uncertain significance. Last evaluated: 2023-03-17. Review status: criteria provided, single submitter. Criteria: Invitae Variant Classification Sherloc (09022015). Collection method: clinical testing. Allele origin: germline.
Comment: In summary, the available evidence is currently insufficient to determine the role of this variant in disease. Therefore, it has been classified as a Variant of Uncertain Significance. This variant has not been reported in the literature in individuals affected with KAT6A-related conditions. This variant is not present in population databases (gnomAD no frequency). This variant, c.4971_4994dup, results in the insertion of 8 amino acid(s) of the KAT6A protein (p.Gln1658_Gln1665dup), but otherwise preserves the integrity of the reading frame.

NM_006766.5(KAT6A):c.4971_4994dup (p.Gln1665_Pro1666insGlnProGlnProProProProGln)

Gene: KAT6A (lysine acetyltransferase 6A; minus strand). Cytogenetic location: 8p11.21.
Variant type: Duplication.
Coding change: c.4971_4994dup on transcript NM_006766.5 (MANE Select); coding-DNA positions 4971 to 4994, 24 bases duplicated (GCAGCCACAGCCGCCGCCGCCACA).
Protein change: p.Gln1665_Pro1666insGlnProGlnProProProProGln.
Molecular consequence: inframe insertion.
Genome position (GRCh38, 1-based): chr8:41,933,226-41,933,249, TGTGGCGGCGGCGGCTGTGGCTGC duplicated on the plus strand (GCAGCCACAGCCGCCGCCGCCACA on the coding strand, the reverse complement: KAT6A is on the minus strand); duplicating any 24 consecutive bases within chr8:41,933,226-41,933,254 gives the same sequence; the c. name uses the placement nearest the transcript's 3' end. VCF-style (leftmost placement, unchanged base first): chr8-41933225-T-TTGTGGCGGCGGCGGCTGTGGCTGC. GRCh37 (hg19) VCF-style: chr8-41790743-T-TTGTGGCGGCGGCGGCTGTGGCTGC.
Identifiers: ClinVar variation 2985865 (VCV002985865.3), dbSNP rs2486753008, ClinGen allele CA2740095013.